The following is an entry in ClinVar:

ClinVar aggregate classification (germline): Uncertain significance. Review status: criteria provided, multiple submitters, no conflicts (2 of 4 stars). 5 submissions from 5 submitters: Uncertain significance (5). Last evaluated 2025-12-04.

Conditions:
Inborn genetic diseases. Identifiers: MedGen C0950123, MeSH D030342.

Allele frequency attached by ClinVar (database versions not stated): gnomAD exomes below 0.00001; gnomAD 0.00001; TOPMed 0.00001.
gnomAD v4.1: 5 of 1,613,846 alleles (0.00031%); highest among the groups gnomAD compares: Non-Finnish European, 0.00042%; no homozygotes.

Submissions (5):

Women's Health and Genetics/Laboratory Corporation of America, LabCorp
Classification: Uncertain significance. Last evaluated: 2025-12-04. Review status: criteria provided, single submitter. Criteria: LabCorp Variant Classification Summary - May 2015. Collection method: clinical testing. Allele origin: germline.
Comment: Variant summary: ADGRV1 c.7588G>C (p.Asp2530His) results in a non-conservative amino acid change in the encoded protein sequence. Algorithms developed to predict the effect of missense changes on protein structure and function are either unavailable or do not agree on the potential impact of this missense change. The variant allele was found at a frequency of 4e-06 in 249024 control chromosomes. The available data on variant occurrences in the general population are insufficient to allow any conclusion about variant significance. To our knowledge, no occurrence of c.7588G>C in individuals affected with ADGRV1-related conditions and no experimental evidence demonstrating its impact on protein function have been reported. ClinVar contains an entry for this variant (Variation ID: 596729). Based on the evidence outlined above, the variant was classified as uncertain significance.

Ambry Genetics
Classification: Uncertain significance for Inborn genetic diseases. Last evaluated: 2025-11-13. Review status: criteria provided, single submitter. Criteria: Ambry Variant Classification Scheme 2023. Collection method: clinical testing. Allele origin: germline.

Labcorp Genetics (formerly Invitae), Labcorp
Classification: Uncertain significance. Last evaluated: 2022-07-12. Review status: criteria provided, single submitter. Criteria: Invitae Variant Classification Sherloc (09022015). Collection method: clinical testing. Allele origin: germline.
Comment: This sequence change replaces aspartic acid, which is acidic and polar, with histidine, which is basic and polar, at codon 2530 of the ADGRV1 protein (p.Asp2530His). This variant is present in population databases (no rsID available, gnomAD 0.0009%). This variant has not been reported in the literature in individuals affected with ADGRV1-related conditions. ClinVar contains an entry for this variant (Variation ID: 596729). Algorithms developed to predict the effect of missense changes on protein structure and function are either unavailable or do not agree on the potential impact of this missense change (SIFT: "Deleterious"; PolyPhen-2: "Probably Damaging"; Align-GVGD: "Class C0"). In summary, the available evidence is currently insufficient to determine the role of this variant in disease. Therefore, it has been classified as a Variant of Uncertain Significance.

Blueprint Genetics
Classification: Uncertain significance. Last evaluated: 2019-02-13. Review status: criteria provided, single submitter. Criteria: ACMG Guidelines, 2015. Collection method: clinical testing. Allele origin: germline.

Eurofins Ntd Llc (ga)
Classification: Uncertain significance. Last evaluated: 2018-04-12. Review status: criteria provided, single submitter. Criteria: EGL ClinVar v180209 classification definitions. Collection method: clinical testing. Allele origin: germline. Observed: 1 variant allele, 1 heterozygote.

NM_032119.4(ADGRV1):c.7588G>C (p.Asp2530His)

Gene: ADGRV1 (adhesion G protein-coupled receptor V1; plus strand). Cytogenetic location: 5q14.3.
Variant type: single nucleotide variant.
Coding change: c.7588G>C on transcript NM_032119.4 (MANE Select); coding-DNA position 7588, G replaced by C.
Protein change: p.Asp2530His; replaces aspartic acid 2530 with histidine.
Molecular consequence: missense variant. On other transcripts: non-coding transcript variant (1).
Genome position (GRCh38, 1-based): chr5:90,694,344, G>C. VCF-style: chr5-90694344-G-C. GRCh37 (hg19) VCF-style: chr5-89990161-G-C.
Other names: c.7588G>C (NM_032119.3); short protein forms D2530H.
Identifiers: ClinVar variation 596729 (VCV000596729.12), dbSNP rs1247003497, ClinGen allele CA360379619.